The following is an entry in ClinVar:

ClinVar aggregate classification (germline): Uncertain significance. Review status: criteria provided, multiple submitters, no conflicts (2 of 4 stars). 3 submissions from 3 submitters: Uncertain significance (3). Last evaluated 2024-09-09.

Conditions:
Inborn genetic diseases. Identifiers: MedGen C0950123, MeSH D030342.
Left ventricular noncompaction 8 (LVNC8). Identifiers: Orphanet 154, Orphanet 54260, MedGen C3809288, MONDO:0014152, OMIM 615373.

Allele frequency attached by ClinVar (database versions not stated): gnomAD 0.00001; gnomAD exomes 0.00002 and 0.00003; TOPMed 0.00002.
gnomAD v4.1: 49 of 1,586,188 alleles (0.0031%); highest among the groups gnomAD compares: Non-Finnish European, 0.004%; no homozygotes.

Submissions (3):

GeneDx
Classification: Uncertain significance. Last evaluated: 2024-09-09. Review status: criteria provided, single submitter. Criteria: GeneDx Variant Classification Process June 2021. Collection method: clinical testing. Allele origin: germline. Affected: yes.
Comment: Has not been previously published as pathogenic or benign to our knowledge; Not observed at significant frequency in large population cohorts (gnomAD); In silico analysis indicates that this missense variant does not alter protein structure/function

Ambry Genetics
Classification: Uncertain significance for Inborn genetic diseases. Last evaluated: 2024-09-03. Review status: criteria provided, single submitter. Criteria: Ambry Variant Classification Scheme 2023. Collection method: clinical testing. Allele origin: germline.

Labcorp Genetics (formerly Invitae), Labcorp
Classification: Uncertain significance for Left ventricular noncompaction 8. Last evaluated: 2024-01-11. Review status: criteria provided, single submitter. Criteria: Invitae Variant Classification Sherloc (09022015). Collection method: clinical testing. Allele origin: germline.
Comment: This sequence change replaces serine, which is neutral and polar, with glycine, which is neutral and non-polar, at codon 661 of the PRDM16 protein (p.Ser661Gly). This variant is present in population databases (no rsID available, gnomAD 0.004%). This variant has not been reported in the literature in individuals affected with PRDM16-related conditions. ClinVar contains an entry for this variant (Variation ID: 1222943). Algorithms developed to predict the effect of missense changes on protein structure and function output the following: SIFT: "Not Available"; PolyPhen-2: "Benign"; Align-GVGD: "Not Available". The glycine amino acid residue is found in multiple mammalian species, which suggests that this missense change does not adversely affect protein function. In summary, the available evidence is currently insufficient to determine the role of this variant in disease. Therefore, it has been classified as a Variant of Uncertain Significance.

NM_022114.4(PRDM16):c.1981A>G (p.Ser661Gly)

Gene: PRDM16 (PR/SET domain 16; plus strand). Cytogenetic location: 1p36.32.
Variant type: single nucleotide variant.
Coding change: c.1981A>G on transcript NM_022114.4 (MANE Select); coding-DNA position 1981, A replaced by G.
Protein change: p.Ser661Gly; replaces serine 661 with glycine.
Molecular consequence: missense variant.
Genome position (GRCh38, 1-based): chr1:3,412,178, A>G. VCF-style: chr1-3412178-A-G. GRCh37 (hg19) VCF-style: chr1-3328742-A-G.
Other names: c.1981A>G, p.Ser661Gly (NM_199454.3); short protein forms S661G.
Identifiers: ClinVar variation 1222943 (VCV001222943.10), dbSNP rs1453953544, ClinGen allele CA337999430.